The following is an entry in ClinVar:

NM_001130823.3(DNMT1):c.2206C>G (p.Gln736Glu)

Gene: DNMT1 (DNA methyltransferase 1; minus strand). Cytogenetic location: 19p13.2.
Variant type: single nucleotide variant.
Coding change: c.2206C>G on transcript NM_001130823.3 (MANE Select); coding-DNA position 2206, C replaced by G.
Protein change: p.Gln736Glu; replaces glutamine 736 with glutamic acid.
Molecular consequence: missense variant.
Genome position (GRCh38, 1-based): chr19:10,151,457, G>C on the plus strand (C>G on the coding strand, the complement: DNMT1 is on the minus strand). VCF-style: chr19-10151457-G-C. GRCh37 (hg19) VCF-style: chr19-10262133-G-C.
Other names: c.2158C>G, p.Gln720Glu (NM_001318730.2, NM_001379.4); c.1843C>G, p.Gln615Glu (NM_001318731.2); short protein forms Q736E, Q615E, Q720E.
Identifiers: ClinVar variation 2194126 (VCV002194126.4), dbSNP rs766357104, ClinGen allele CA9188113.

ClinVar aggregate classification (germline): Uncertain significance (1 of 4 stars; one submission).

Conditions:
Hereditary sensory neuropathy-deafness-dementia syndrome. Also called: NEUROPATHY, HEREDITARY SENSORY, WITH HEARING LOSS AND DEMENTIA; Hereditary sensory neuropathy type IE; HSN IE; Hereditary Sensory and Autonomic Neuropathy Type 1E (HSAN1E). Identifiers: Orphanet 456318, MedGen C3279885, MONDO:0013584, OMIM 614116.

Allele frequency attached by ClinVar (database versions not stated): ExAC 0.00001; gnomAD 0.00001; gnomAD exomes 0.00001.
gnomAD v4.1: 22 of 1,613,952 alleles (0.0014%); highest among the groups gnomAD compares: Admixed American, 0.0017%; no homozygotes.

Submission:

Labcorp Genetics (formerly Invitae), Labcorp
Classification: Uncertain significance for Hereditary sensory neuropathy-deafness-dementia syndrome. Last evaluated: 2026-01-05. Review status: criteria provided, single submitter. Criteria: Invitae Variant Classification Sherloc (09022015). Collection method: clinical testing. Allele origin: germline.
Comment: This sequence change replaces glutamine, which is neutral and polar, with glutamic acid, which is acidic and polar, at codon 736 of the DNMT1 protein (p.Gln736Glu). This variant is present in population databases (rs766357104, gnomAD 0.004%). This variant has not been reported in the literature in individuals affected with DNMT1-related conditions. ClinVar contains an entry for this variant (Variation ID: 2194126). Invitae Evidence Modeling of protein sequence and biophysical properties (such as structural, functional, and spatial information, amino acid conservation, physicochemical variation, residue mobility, and thermodynamic stability) indicates that this missense variant is not expected to disrupt DNMT1 protein function with a negative predictive value of 80%. In summary, the available evidence is currently insufficient to determine the role of this variant in disease. Therefore, it has been classified as a Variant of Uncertain Significance.